The following is an entry in ClinVar:

NM_001367624.2(ZNF469):c.6032G>A (p.Gly2011Asp)

Gene: ZNF469 (zinc finger protein 469; plus strand). Cytogenetic location: 16q24.2.
Variant type: single nucleotide variant.
Coding change: c.6032G>A on transcript NM_001367624.2 (MANE Select); coding-DNA position 6032, G replaced by A.
Protein change: p.Gly2011Asp; replaces glycine 2011 with aspartic acid.
Molecular consequence: missense variant.
Genome position (GRCh38, 1-based): chr16:88,433,502, G>A. VCF-style: chr16-88433502-G-A. GRCh37 (hg19) VCF-style: chr16-88499910-G-A.
Other names: NM_001127464.1:c.5948G>A; p.Gly2011Asp; short protein forms G2011D.
Identifiers: ClinVar variation 320950 (VCV000320950.17), dbSNP rs79155191, ClinGen allele CA8225120.

ClinVar aggregate classification (germline): Benign/Likely benign. Review status: criteria provided, multiple submitters, no conflicts (2 of 4 stars). 7 submissions from 7 submitters: Benign (5); Likely benign (2). Last evaluated 2026-02-02.

Conditions:
Cardiovascular phenotype. Identifiers: MedGen CN230736.
Brittle cornea syndrome 1 (BCS1). Also called: CORNEAL FRAGILITY, KERATOGLOBUS, BLUE SCLERAE, JOINT HYPEREXTENSIBILITY; EDS6B; FRAGILITAS OCULI WITH JOINT HYPEREXTENSIBILITY; Corneal fragility keratoglobus, blue sclerae AND joint hypermobility; DYSGENESIS MESODERMALIS CORNEAE ET SCLERAE. Identifiers: Orphanet 90354, MedGen C0268344, MONDO:0024543, OMIM 229200.

Allele frequency attached by ClinVar (database versions not stated): 1000 Genomes Project 30x 0.00999; TOPMed 0.01291; ExAC 0.00519; 1000 Genomes Project 0.01058; gnomAD 0.01148; gnomAD exomes 0.00263; ESP Exome Variant Server 0.01117.
gnomAD v4.1: 3,340 of 1,550,296 alleles (0.22%); highest among the groups gnomAD compares: African/African-American, 4.1%; 62 homozygotes.

Submissions (7):

Labcorp Genetics (formerly Invitae), Labcorp
Classification: Benign. Last evaluated: 2026-02-02. Review status: criteria provided, single submitter. Criteria: Invitae Variant Classification Sherloc (09022015). Collection method: clinical testing. Allele origin: germline.

Women's Health and Genetics/Laboratory Corporation of America, LabCorp
Classification: Likely benign. Last evaluated: 2026-01-22. Review status: criteria provided, single submitter. Criteria: LabCorp Variant Classification Summary - May 2015. Collection method: clinical testing. Allele origin: germline.

Mayo Clinic Laboratories, Mayo Clinic
Classification: Benign. Last evaluated: 2023-08-24. Review status: criteria provided, single submitter. Criteria: ACMG Guidelines, 2015. Collection method: clinical testing. Allele origin: germline. Observed: 13 variant alleles.
Comment: BS1, BS2, BP4_strong

Genome-Nilou Lab
Classification: Benign for Brittle cornea syndrome 1. Last evaluated: 2021-12-05. Review status: criteria provided, single submitter. Criteria: ACMG Guidelines, 2015. Collection method: clinical testing. Allele origin: germline. Affected: no.

Ambry Genetics
Classification: Benign for Cardiovascular phenotype. Last evaluated: 2019-04-19. Review status: criteria provided, single submitter. Criteria: Ambry Variant Classification Scheme 2023. Collection method: clinical testing. Allele origin: germline.

GeneDx
Classification: Benign. Last evaluated: 2017-01-04. Review status: criteria provided, single submitter. Criteria: GeneDx Variant Classification (06012015). Collection method: clinical testing. Allele origin: germline. Affected: yes.
Comment: This variant is considered likely benign or benign based on one or more of the following criteria: it is a conservative change, it occurs at a poorly conserved position in the protein, it is predicted to be benign by multiple in silico algorithms, and/or has population frequency not consistent with disease.

Breakthrough Genomics
Classification: Likely benign. Review status: criteria provided, single submitter. Criteria: ACMG Guidelines, 2015. Collection method: not provided. Allele origin: germline. Inheritance: Autosomal recessive inheritance. Affected: yes.